The following is an entry in ClinVar:

ClinVar aggregate classification (germline): Uncertain significance. Review status: criteria provided, multiple submitters, no conflicts (2 of 4 stars). 7 submissions from 7 submitters: Uncertain significance (6). 1 of the submissions does not count toward it. Last evaluated 2026-07-16.

Conditions:
CFTR-related disorder (CFTR-RD). Also called: CFTR-related condition; CFTR-related disorders. Identifiers: MedGen C5924204, MONDO:7770004.
Cystic fibrosis (CF). Also called: MUCOVISCIDOSIS. Identifiers: Orphanet 586, MedGen C0010674, MONDO:0009061, OMIM 219700. Disease mechanism: loss of function.

Allele frequency attached by ClinVar (database versions not stated): gnomAD exomes 0.00011; TOPMed 0.00007; gnomAD 0.00010.

Submissions (7):

PreventionGenetics, part of Exact Sciences
Classification: Uncertain significance for CFTR-related condition. Last evaluated: 2026-07-16. Review status: criteria provided, single submitter. Criteria: ACMG Guidelines, 2015. Collection method: clinical testing. Allele origin: germline.
Comment: The CFTR c.-165G>A variant is located in the 5' untranslated region. This variant has been reported in a patient with congenital bilateral absence of the vas deferens and resulted in reduced CFTR transcription in vitro (described as -33G>A in Lopez et al. 2011. PubMed ID: 20972246). This variant is reported in 0.12% of alleles in individuals of Latino descent in gnomAD. At this time, the clinical significance of this variant is uncertain due to the absence of conclusive functional and genetic evidence.

Blueprint Genetics
Classification: Uncertain significance. Last evaluated: 2023-12-13. Review status: criteria provided, single submitter. Criteria: ACMG Guidelines, 2015. Collection method: clinical testing. Allele origin: germline.

GeneDx
Classification: Uncertain significance. Last evaluated: 2023-06-13. Review status: criteria provided, single submitter. Criteria: GeneDx Variant Classification Process June 2021. Collection method: clinical testing. Allele origin: germline. Affected: yes.
Comment: Published functional studies demonstrate a damaging effect as c.-165G>A increases binding of FOXI1 inducing reduced CFTR promoter activity (Lopez et al., 2011); Reported in individuals with congenital absence of the vas deferens (de Meeus et al., 1998; Lopez et al., 2011); Also known as -33G>A; This variant is associated with the following publications: (PMID: 33000223, 10200050, 21948798, 12843327, 20972246)

Labcorp Genetics (formerly Invitae), Labcorp
Classification: Uncertain significance for Cystic fibrosis. Last evaluated: 2022-08-23. Review status: criteria provided, single submitter. Criteria: Invitae Variant Classification Sherloc (09022015). Collection method: clinical testing. Allele origin: germline.
Comment: This variant occurs in a non-coding region of the CFTR gene. It does not change the encoded amino acid sequence of the CFTR protein. This variant is present in population databases (rs145483167, gnomAD 0.1%). This variant has been observed in individual(s) with clinical features of cystic fibrosis (PMID: 12843327). This variant is also known as -33G>A. ClinVar contains an entry for this variant (Variation ID: 439059). Algorithms developed to predict the effect of variants on protein structure and function are not available or were not evaluated for this variant. Experimental studies have shown that this variant affects CFTR function (PMID: 20972246). In summary, the available evidence is currently insufficient to determine the role of this variant in disease. Therefore, it has been classified as a Variant of Uncertain Significance.

Quest Diagnostics Nichols Institute San Juan Capistrano
Classification: Uncertain significance. Last evaluated: 2020-12-28. Review status: criteria provided, single submitter. Criteria: Quest Diagnostics criteria. Collection method: clinical testing. Allele origin: unknown.

Eurofins Ntd Llc (ga)
Classification: Uncertain significance. Last evaluated: 2018-04-19. Review status: criteria provided, single submitter. Criteria: EGL ClinVar v180209 classification definitions. Collection method: clinical testing. Allele origin: germline. Observed: 3 variant alleles, 3 heterozygotes.

Counsyl
Classification: Uncertain significance for Cystic fibrosis. Last evaluated: 2017-11-28. Review status: no assertion criteria provided. Collection method: clinical testing. Allele origin: unknown. Not counted in ClinVar's aggregate classification.

Literature cited by the submitters: PubMed 12843327 (cited by Labcorp Genetics (formerly Invitae), Labcorp); PubMed 20972246 (cited by Labcorp Genetics (formerly Invitae), Labcorp and Quest Diagnostics Nichols Institute San Juan Capistrano); PubMed 10200050 (cited by Quest Diagnostics Nichols Institute San Juan Capistrano).

NC_000007.14:g.117479930G>A

Genes: CFTR (CF transmembrane conductance regulator; plus strand), LOC111674463 (CFTR promoter region; plus strand). Cytogenetic location: 7q31.2.
Variant type: single nucleotide variant.
Genome position: GRCh38 VCF-style: chr7-117479930-G-A. GRCh37 (hg19) VCF-style: chr7-117119984-G-A.
Identifiers: ClinVar variation 439059 (VCV000439059.15), dbSNP rs145483167, ClinGen allele CA164948699.